The following is an entry in ClinVar:

ClinVar aggregate classification (germline): Likely benign (1 of 4 stars; one submission).

Submission:

GeneDx
Classification: Likely benign. Last evaluated: 2017-01-06. Review status: criteria provided, single submitter. Criteria: GeneDx Variant Classification (06012015). Collection method: clinical testing. Allele origin: germline. Affected: yes.
Comment: This variant is considered likely benign or benign based on one or more of the following criteria: it is a conservative change, it occurs at a poorly conserved position in the protein, it is predicted to be benign by multiple in silico algorithms, and/or has population frequency not consistent with disease.

NM_002894.3(RBBP8):c.808-8T>C

Gene: RBBP8 (RB binding protein 8, endonuclease; plus strand). Cytogenetic location: 18q11.2.
Variant type: single nucleotide variant.
Coding change: c.808-8T>C on transcript NM_002894.3 (MANE Select); 8 bases into the intron before coding-DNA position 808, T replaced by C.
Molecular consequence: intron variant.
Genome position (GRCh38, 1-based): chr18:22,990,929, T>C. VCF-style: chr18-22990929-T-C. GRCh37 (hg19) VCF-style: chr18-20570892-T-C.
Other names: c.808-8T>C (NM_203292.2, NM_203291.2).
Identifiers: ClinVar variation 392428 (VCV000392428.1), dbSNP rs1057524486, ClinGen allele CA16607888.